The following is an entry in ClinVar:

NM_001377265.1(MAPT):c.2188G>A (p.Glu730Lys)

Gene: MAPT (microtubule associated protein tau). Cytogenetic location: 17q21.31.
Variant type: single nucleotide variant.
Coding change: c.2188G>A on transcript NM_001377265.1 (MANE Select); coding-DNA position 2188, G replaced by A.
Protein change: p.Glu730Lys; replaces glutamic acid 730 with lysine.
Molecular consequence: missense variant. On other transcripts: non-coding transcript variant (1), intron variant (1).
Genome position (GRCh38, 1-based): chr17:46,018,632, G>A. VCF-style: chr17-46018632-G-A. GRCh37 (hg19) VCF-style: chr17-44095998-G-A.
Other names: c.2017G>A, p.Glu673Lys (NM_001123066.4); c.925G>A, p.Glu309Lys (NM_001123067.4); c.832G>A, p.Glu278Lys (NM_001203251.2); c.919G>A, p.Glu307Lys (NM_001203252.2); c.1897G>A, p.Glu633Lys (NM_001377266.1); c.745G>A, p.Glu249Lys (NM_001377268.1, NM_016841.5); c.1012G>A, p.Glu338Lys (NM_005910.6); c.838G>A, p.Glu280Lys (NM_016834.5); and 2 more; short protein forms E338K, E633K, E249K, E278K, E280K, E309K, E655K, E307K.
Identifiers: ClinVar variation 4740541 (VCV004740541.1).

ClinVar aggregate classification (germline): Uncertain significance (1 of 4 stars; one submission).

Conditions:
Frontotemporal dementia (FTD1). Also called: Dementia, frontotemporal, with or without parkinsonism; Frontotemporal lobe dementia (FLDEM); Frontotemporal Dementia with Parkinsonism-17 (FTDP-17); FRONTOTEMPORAL DEMENTIA WITH PARKINSONISM; FRONTOTEMPORAL LOBE DEMENTIA; FRONTOTEMPORAL LOBAR DEGENERATION WITH TAU INCLUSIONS. Identifiers: Orphanet 282, MedGen C0338451, MONDO:0017276, OMIM 600274, HP:0002145.

Submission:

Labcorp Genetics (formerly Invitae), Labcorp
Classification: Uncertain significance for Frontotemporal dementia. Last evaluated: 2026-01-27. Review status: criteria provided, single submitter. Criteria: Invitae Variant Classification Sherloc (09022015). Collection method: clinical testing. Allele origin: germline.
Comment: This sequence change replaces glutamic acid, which is acidic and polar, with lysine, which is basic and polar, at codon 338 of the MAPT protein (p.Glu338Lys). This variant is not present in population databases (gnomAD no frequency). This variant has not been reported in the literature in individuals affected with MAPT-related conditions. Invitae Evidence Modeling of protein sequence and biophysical properties (such as structural, functional, and spatial information, amino acid conservation, physicochemical variation, residue mobility, and thermodynamic stability) indicates that this missense variant is not expected to disrupt MAPT protein function with a negative predictive value of 80%. In summary, the available evidence is currently insufficient to determine the role of this variant in disease. Therefore, it has been classified as a Variant of Uncertain Significance.